The following is an entry in ClinVar:

ClinVar aggregate classification (germline): Uncertain significance (1 of 4 stars; one submission).

Conditions:
Hypertrophic cardiomyopathy 1 (CMH1). Also called: Familial hypertrophic cardiomyopathy 1; MYH7-Related Familial Hypertrophic Cardiomyopathy. Identifiers: MedGen C3495498, MONDO:0008647, OMIM 192600.

Submission:

3billion
Classification: Uncertain significance for Hypertrophic cardiomyopathy 1. Last evaluated: 2025-07-15. Review status: criteria provided, single submitter. Criteria: ACMG Guidelines, 2015. Collection method: clinical testing. Allele origin: germline. Affected: yes.
Comment: The variant is not observed in the gnomAD v4.1.0 dataset. Predicted Consequence/Location: The variant is located in a mutational hot spot and/or well-established functional domain in which established pathogenic variants have been reported (PMID: 29300372). In silico tool predictions suggest damaging effect of the variant on gene or gene product [REVEL: 0.87 (>=0.6, sensitivity 0.68 and specificity 0.92); 3Cnet: 0.99 (> 0.75, sensitivity 0.96 and precision 0.92)]. The variant has been reported as of uncertain significance (ClinVar ID: VCV002444095; 3billion dataset). Different missense changes at the same codon have been reported as of uncertain significance (ClinVar ID: VCV003387335). Therefore, this variant is classified as VUS according to the recommendation of ACMG/AMP guideline.

NM_000257.4(MYH7):c.2491A>G (p.Lys831Glu)

Genes: MYH7 (myosin heavy chain 7; minus strand), LOC126861898 (BRD4-independent group 4 enhancer GRCh37_chr14:23893609-23894808; plus strand). Cytogenetic location: 14q11.2.
Variant type: single nucleotide variant.
Coding change: c.2491A>G on transcript NM_000257.4 (MANE Select); coding-DNA position 2491, A replaced by G.
Protein change: p.Lys831Glu; replaces lysine 831 with glutamic acid.
Molecular consequence: missense variant.
Genome position (GRCh38, 1-based): chr14:23,424,957, T>C on the plus strand (A>G on the coding strand, the complement: MYH7 is on the minus strand). VCF-style: chr14-23424957-T-C. GRCh37 (hg19) VCF-style: chr14-23894166-T-C.
Other names: c.2491A>G, p.Lys831Glu (NM_001407004.1); short protein forms K831E.
Identifiers: ClinVar variation 2444095 (VCV002444095.2), dbSNP rs2502284033, ClinGen allele CA389048299.